The following is an entry in ClinVar:

ClinVar aggregate classification (germline): Conflicting classifications of pathogenicity. Review status: criteria provided, conflicting classifications (1 of 4 stars). 2 submissions from 2 submitters: Uncertain significance (1); Benign (1). Last evaluated 2025-09-25.

Conditions:
Hereditary cancer-predisposing syndrome. Also called: Neoplastic Syndromes, Hereditary; Hereditary Cancer Syndrome; Tumor predisposition; Hereditary neoplastic syndrome. Identifiers: Orphanet 140162, MedGen C0027672, MeSH D009386, MONDO:0015356.
Fanconi anemia complementation group O. Also called: RAD51C-Related Fanconi Anemia. Identifiers: Orphanet 84, MedGen C3150653, MONDO:0013248, OMIM 613390.

Submissions (2):

Ambry Genetics
Classification: Benign for Hereditary cancer-predisposing syndrome. Last evaluated: 2025-09-25. Review status: criteria provided, single submitter. Criteria: Ambry Variant Classification Scheme 2023. Collection method: clinical testing. Allele origin: germline.

Labcorp Genetics (formerly Invitae), Labcorp
Classification: Uncertain significance for Fanconi anemia complementation group O. Last evaluated: 2023-02-10. Review status: criteria provided, single submitter. Criteria: Invitae Variant Classification Sherloc (09022015). Collection method: clinical testing. Allele origin: germline.
Comment: This sequence change replaces serine, which is neutral and polar, with cysteine, which is neutral and slightly polar, at codon 79 of the RAD51C protein (p.Ser79Cys). This variant is not present in population databases (gnomAD no frequency). This variant has not been reported in the literature in individuals affected with RAD51C-related conditions. Algorithms developed to predict the effect of missense changes on protein structure and function are either unavailable or do not agree on the potential impact of this missense change (SIFT: "Deleterious"; PolyPhen-2: "Benign"; Align-GVGD: "Class C0"). Algorithms developed to predict the effect of sequence changes on RNA splicing suggest that this variant may create or strengthen a splice site. In summary, the available evidence is currently insufficient to determine the role of this variant in disease. Therefore, it has been classified as a Variant of Uncertain Significance.

NM_058216.3(RAD51C):c.236C>G (p.Ser79Cys)

Gene: RAD51C (RAD51 paralog C; plus strand). Cytogenetic location: 17q22.
Variant type: single nucleotide variant.
Coding change: c.236C>G on transcript NM_058216.3 (MANE Select); coding-DNA position 236, C replaced by G.
Protein change: p.Ser79Cys; replaces serine 79 with cysteine.
Molecular consequence: missense variant. On other transcripts: non-coding transcript variant (2).
Genome position (GRCh38, 1-based): chr17:58,695,021, C>G. VCF-style: chr17-58695021-C-G. GRCh37 (hg19) VCF-style: chr17-56772382-C-G.
Other names: c.236C>G, p.Ser79Cys (NM_002876.4, NM_058217.1); short protein forms S79C.
Identifiers: ClinVar variation 2562776 (VCV002562776.6), dbSNP rs1555593569, ClinGen allele CA400340268.
Genomic context (GRCh38, chr17:58,695,021, plus strand): 5'-AAACTCTGCAAATTATCAGAAGAGAATGTCTCACAAATAAACCAAGATATGCTGGTACAT[C>G]TGAGTCACACAAGAAGTGTACAGCACTGGAACTTCTTGAGCAGGAGCATACCCAGGGCTT-3'
Protein context (NP_478123.1, residues 69-89): LTNKPRYAGT[Ser79Cys]ESHKKCTALE